The following is an entry in ClinVar:

ClinVar aggregate classification (germline): Conflicting classifications of pathogenicity. Review status: criteria provided, conflicting classifications (1 of 4 stars). 4 submissions from 4 submitters: Likely pathogenic (3); Uncertain significance (1). Last evaluated 2025-09-29.

Conditions:
MARVELD2-related disorder. Also called: MARVELD2-related condition.
Autosomal recessive nonsyndromic hearing loss 49. Also called: Deafness, neurosensory, autosomal recessive 49. Identifiers: Orphanet 90636, MedGen C1857811, MONDO:0012420, OMIM 610153.

Allele frequency attached by ClinVar (database versions not stated): gnomAD exomes 0.00003 and below 0.00001; gnomAD 0.00001; TOPMed 0.00002; ExAC 0.00003.
gnomAD v4.1: 7 of 1,602,778 alleles (0.00044%); highest among the groups gnomAD compares: East Asian, 0.011%; no homozygotes.

Submissions (4):

PreventionGenetics, part of Exact Sciences
Classification: Likely pathogenic for MARVELD2-related condition. Last evaluated: 2025-09-29. Review status: criteria provided, single submitter. Criteria: ACMG Guidelines, 2015. Collection method: clinical testing. Allele origin: germline.
Comment: The MARVELD2 c.1147-2A>G variant is predicted to disrupt the AG splice acceptor site and interfere with normal splicing. To our knowledge, this variant has not been reported in the literature. This variant is reported in 0.040% of alleles in individuals of East Asian descent in gnomAD. Variants that disrupt the consensus splice acceptor site in MARVELD2 are expected to be pathogenic. This variant is interpreted as likely pathogenic.

Labcorp Genetics (formerly Invitae), Labcorp
Classification: Likely pathogenic. Last evaluated: 2025-08-01. Review status: criteria provided, single submitter. Criteria: Invitae Variant Classification Sherloc (09022015). Collection method: clinical testing. Allele origin: germline.
Comment: This sequence change affects an acceptor splice site in intron 2 of the MARVELD2 gene. It is expected to disrupt RNA splicing. Variants that disrupt the donor or acceptor splice site typically lead to a loss of protein function (PMID: 16199547), and loss-of-function variants in MARVELD2 are known to be pathogenic (PMID: 17186462). This variant is present in population databases (rs763062791, gnomAD 0.04%). This variant has not been reported in the literature in individuals affected with MARVELD2-related conditions. ClinVar contains an entry for this variant (Variation ID: 505800). Algorithms developed to predict the effect of sequence changes on RNA splicing suggest that this variant may disrupt the consensus splice site. In summary, the currently available evidence indicates that the variant is pathogenic, but additional data are needed to prove that conclusively. Therefore, this variant has been classified as Likely Pathogenic.

Revvity Omics, Revvity
Classification: Likely pathogenic for Autosomal recessive nonsyndromic hearing loss 49. Last evaluated: 2019-09-25. Review status: criteria provided, single submitter. Criteria: ACMG Guidelines, 2015. Collection method: clinical testing. Allele origin: germline.

Laboratory for Molecular Medicine, Mass General Brigham Personalized Medicine
Classification: Uncertain significance. Last evaluated: 2017-05-21. Review status: criteria provided, single submitter. Criteria: LMM Criteria. Collection method: clinical testing. Allele origin: germline. Observed: 1 variant allele.
Comment: Variant classified as Uncertain Significance - Favor Pathogenic. The c.1147-2A>G variant in MARVELD2 has not been previously reported in individuals with hearin g loss, but has been indentified in 7/18864 East Asian chromosomes by the Genome Aggregation Database (gnomAD; dbSNP rs763062 761). Although this variant has been seen in the general population, its frequen cy is low enough to be consistent with a recessive carrier frequency. This varia nt occurs in the invariant region (+/- 1/2) of the splice consensus sequence and would be predicted to cause altered splicing leading to an abnormal or absent p rotein. While loss of function of the MARVELD2 gene is an established disease m echanism in autosomal recessive hearing loss, two transcripts of the MARVELD2 ge ne exist, with the second transcript (NM_001244734) lacking the exon that would be impacted by this variant. RT-PCR data from human lymphoblastoid cell lines sh ow that both transcripts are expressed in the cochlea (Riazuddin 2006), raising the possibility that this exon is not required for protein function. However, th ere is insufficient protein expression or functional data to determine this. In summary, while there is some suspicion for a pathogenic role, the clinical signi ficance of this variant is uncertain.

Literature cited by the submitters: PubMed 16199547 (cited by Labcorp Genetics (formerly Invitae), Labcorp); PubMed 17186462 (cited by Labcorp Genetics (formerly Invitae), Labcorp).

NM_001038603.3(MARVELD2):c.1147-2A>G

Gene: MARVELD2 (MARVEL domain containing 2; plus strand). Cytogenetic location: 5q13.2.
Variant type: single nucleotide variant.
Coding change: c.1147-2A>G on transcript NM_001038603.3 (MANE Select); the canonical splice acceptor site of the intron before coding-DNA position 1147, A replaced by G.
Molecular consequence: splice acceptor variant. On other transcripts: intron variant (1).
Genome position (GRCh38, 1-based): chr5:69,424,599, A>G. VCF-style: chr5-69424599-A-G. GRCh37 (hg19) VCF-style: chr5-68720426-A-G.
Other names: c.1146+4068A>G (NM_001244734.2).
Identifiers: ClinVar variation 505800 (VCV000505800.14), dbSNP rs763062791, ClinGen allele CA3294189.